The following is an entry in ClinVar:

NM_025114.4(CEP290):c.3486C>G (p.Ala1162=)

Gene: CEP290 (centrosomal protein 290; minus strand). Cytogenetic location: 12q21.32.
Variant type: single nucleotide variant.
Coding change: c.3486C>G on transcript NM_025114.4 (MANE Select); coding-DNA position 3486, C replaced by G.
Protein change: p.Ala1162=; no amino-acid change (alanine 1162 retained).
Molecular consequence: synonymous variant.
Genome position (GRCh38, 1-based): chr12:88,090,815, G>C on the plus strand (C>G on the coding strand, the complement: CEP290 is on the minus strand). VCF-style: chr12-88090815-G-C. GRCh37 (hg19) VCF-style: chr12-88484592-G-C.
Other names: c.3486C>G (NM_025114.3).
Identifiers: ClinVar variation 1085982 (VCV001085982.10), dbSNP rs376583223, ClinGen allele CA481077147.
Genomic context (GRCh38, chr12:88,090,815, plus strand): 5'-GGACTCTACTTCCTTGTCCCTAGATTGTTGTTGTGCATTCAAAATTTCAACTTGTCTTCT[G>C]GCAATATCAGAAATCTCTCTCAGTCTAGGAAATGATAAGGTATTTCAGGAACAATTAAGT-3'
Protein context (NP_079390.3, residues 1152-1172): VSKLREISDI[Ala1162=]RRQVEILNAQ

ClinVar aggregate classification (germline): Likely benign. Review status: criteria provided, multiple submitters, no conflicts (2 of 4 stars). 2 submissions from 2 submitters: Likely benign (2). Last evaluated 2026-08-14.

Conditions:
CEP290-related disorder. Also called: CEP290-related disorders; CEP290-related condition. Identifiers: MedGen CN239314.
Nephronophthisis. Also called: Juvenile Nephronophthisis. Identifiers: Orphanet 655, MedGen C0687120, MONDO:0019005, HP:0000090.
Meckel-Gruber syndrome. Also called: Dysencephalia splachnocystica; DYSENCEPHALIA SPLANCHNOCYSTICA; GRUBER SYNDROME. Identifiers: Orphanet 564, MedGen C0265215, MONDO:0018921.
Joubert syndrome. Also called: JOUBERT-BOLTSHAUSER SYNDROME; Familial aplasia of the vermis. Identifiers: Orphanet 475, MedGen C5979921, MONDO:0018772.

Submissions (2):

PreventionGenetics, part of Exact Sciences
Classification: Likely benign for CEP290-related condition. Last evaluated: 2026-08-14. Review status: criteria provided, single submitter. Criteria: ACMG Guidelines, 2015. Collection method: clinical testing. Allele origin: germline.
Comment: This variant is classified as likely benign based on ACMG/AMP sequence variant interpretation guidelines (Richards et al. 2015 PMID: 25741868, with internal and published modifications).

Labcorp Genetics (formerly Invitae), Labcorp
Classification: Likely benign for Joubert syndrome; Meckel-Gruber syndrome; Nephronophthisis. Last evaluated: 2020-05-22. Review status: criteria provided, single submitter. Criteria: Invitae Variant Classification Sherloc (09022015). Collection method: clinical testing. Allele origin: germline.